The following is an entry in ClinVar:

NM_004393.6(DAG1):c.2618T>C (p.Met873Thr)

Gene: DAG1 (dystroglycan 1; plus strand). Cytogenetic location: 3p21.31.
Variant type: single nucleotide variant.
Coding change: c.2618T>C on transcript NM_004393.6 (MANE Select); coding-DNA position 2618, T replaced by C.
Protein change: p.Met873Thr; replaces methionine 873 with threonine.
Molecular consequence: missense variant.
Genome position (GRCh38, 1-based): chr3:49,533,129, T>C. VCF-style: chr3-49533129-T-C. GRCh37 (hg19) VCF-style: chr3-49570562-T-C.
Other names: c.2618T>C, p.Met873Thr (NM_001165928.4, NM_001177634.3, NM_001177635.3 and 9 more transcripts); c.2618T>C (NM_004393.4); short protein forms M873T.
Identifiers: ClinVar variation 290566 (VCV000290566.9), dbSNP rs886044491, ClinGen allele CA10606824.
Genomic context (GRCh38, chr3:49,533,129, plus strand): 5'-TGCGGGATGAGGATCCCAATGCGCCTCCCTACCAGCCCCCACCGCCCTTCACAGCACCCA[T>C]GGAGGGCAAGGGCTCCCGTCCCAAGAACATGACCCCATACCGGTCACCTCCTCCCTATGT-3'
Protein context (NP_004384.5, residues 863-883): YQPPPPFTAP[Met873Thr]EGKGSRPKNM

ClinVar aggregate classification (germline): Uncertain significance. Review status: criteria provided, multiple submitters, no conflicts (2 of 4 stars). 3 submissions from 3 submitters: Uncertain significance (3). Last evaluated 2025-08-09.

Conditions:
Inborn genetic diseases. Identifiers: MedGen C0950123, MeSH D030342.
Muscular dystrophy-dystroglycanopathy (congenital with brain and eye anomalies), type A9. Also called: WALKER-WARBURG SYNDROME OR MUSCLE-EYE BRAIN DISEASE, DAG1-RELATED; Muscular dystrophy-dystroglycanopathy (congenital with brain and eye anomalies), type a, 9. Identifiers: Orphanet 370997, Orphanet 899, MedGen C4225291, MONDO:0014683, OMIM 616538.
Autosomal recessive limb-girdle muscular dystrophy type 2P. Also called: MUSCULAR DYSTROPHY-DYSTROGLYCANOPATHY, LIMB-GIRDLE, DAG1-RELATED; Limb-Girdle Muscular Dystrophy Type 9C; MUSCULAR DYSTROPHY, LIMB-GIRDLE, TYPE 2P. Identifiers: Orphanet 280333, MedGen C4511963, MONDO:0013440, OMIM 613818.

Allele frequency attached by ClinVar (database versions not stated): gnomAD exomes below 0.00001.
gnomAD v4.1: 2 of 1,614,122 alleles (0.00012%); highest among the groups gnomAD compares: Non-Finnish European, 0.00017%; no homozygotes.

Submissions (3):

Ambry Genetics
Classification: Uncertain significance for Inborn genetic diseases. Last evaluated: 2025-08-09. Review status: criteria provided, single submitter. Criteria: Ambry Variant Classification Scheme 2023. Collection method: clinical testing. Allele origin: germline.

Labcorp Genetics (formerly Invitae), Labcorp
Classification: Uncertain significance for Autosomal recessive limb-girdle muscular dystrophy type 2P; Muscular dystrophy-dystroglycanopathy (congenital with brain and eye anomalies), type A9. Last evaluated: 2024-05-18. Review status: criteria provided, single submitter. Criteria: Invitae Variant Classification Sherloc (09022015). Collection method: clinical testing. Allele origin: germline.
Comment: This sequence change replaces methionine, which is neutral and non-polar, with threonine, which is neutral and polar, at codon 873 of the DAG1 protein (p.Met873Thr). This variant is not present in population databases (gnomAD no frequency). This variant has not been reported in the literature in individuals affected with DAG1-related conditions. ClinVar contains an entry for this variant (Variation ID: 290566). Advanced modeling of protein sequence and biophysical properties (such as structural, functional, and spatial information, amino acid conservation, physicochemical variation, residue mobility, and thermodynamic stability) performed at Invitae indicates that this missense variant is not expected to disrupt DAG1 protein function with a negative predictive value of 80%. In summary, the available evidence is currently insufficient to determine the role of this variant in disease. Therefore, it has been classified as a Variant of Uncertain Significance.

Eurofins Ntd Llc (ga)
Classification: Uncertain significance. Last evaluated: 2016-09-01. Review status: criteria provided, single submitter. Criteria: EGL Classification Definitions 2015. Collection method: clinical testing. Allele origin: germline. Observed: 1 variant allele, 1 heterozygote.